The following is an entry in ClinVar:

NM_001127222.2(CACNA1A):c.3814C>T (p.Arg1272Trp)

Gene: CACNA1A (calcium voltage-gated channel subunit alpha1 A; minus strand). Cytogenetic location: 19p13.13.
Variant type: single nucleotide variant.
Coding change: c.3814C>T on transcript NM_001127222.2 (MANE Select); coding-DNA position 3814, C replaced by T.
Protein change: p.Arg1272Trp; replaces arginine 1272 with tryptophan.
Molecular consequence: missense variant.
Genome position (GRCh38, 1-based): chr19:13,283,275, G>A on the plus strand (C>T on the coding strand, the complement: CACNA1A is on the minus strand). VCF-style: chr19-13283275-G-A. GRCh37 (hg19) VCF-style: chr19-13394089-G-A.
Other names: c.3826C>T, p.Arg1276Trp (NM_000068.4, NM_023035.3); c.3817C>T, p.Arg1273Trp (NM_001127221.2, NM_001174080.2); short protein forms R1273W, R1276W, R1272W.
Identifiers: ClinVar variation 476256 (VCV000476256.11), dbSNP rs372970430, ClinGen allele CA9240194.

ClinVar aggregate classification (germline): Uncertain significance (1 of 4 stars; one submission).

Conditions:
Developmental and epileptic encephalopathy, 42 (DEE42A). Also called: DEVELOPMENTAL AND EPILEPTIC ENCEPHALOPATHY 42A; EPILEPTIC ENCEPHALOPATHY, EARLY INFANTILE, 42A; Epileptic encephalopathy, early infantile, 42. Identifiers: MedGen C4310716, MONDO:0014917, OMIM 617106.
Episodic ataxia type 2 (EA2). Also called: ACETAZOLAMIDE-RESPONSIVE HEREDITARY PAROXYSMAL CEREBELLAR ATAXIA; ATAXIA, EPISODIC, WITH NYSTAGMUS; ATAXIA, FAMILIAL PAROXYSMAL; CEREBELLAR ATAXIA, PAROXYSMAL, ACETAZOLAMIDE-RESPONSIVE; CEREBELLOPATHY, HEREDITARY PAROXYSMAL; EPISODIC ATAXIA, NYSTAGMUS-ASSOCIATED. Identifiers: Orphanet 97, MedGen C1720416, MONDO:0007163, OMIM 108500.

Allele frequency attached by ClinVar (database versions not stated): gnomAD exomes below 0.00001; ExAC 0.00001; gnomAD 0.00001; TOPMed 0.00001; ESP Exome Variant Server 0.00008.
gnomAD v4.1: 16 of 1,613,782 alleles (0.00099%); highest among the groups gnomAD compares: Non-Finnish European, 0.0013%; no homozygotes.

Submission:

Labcorp Genetics (formerly Invitae), Labcorp
Classification: Uncertain significance for Developmental and epileptic encephalopathy, 42; Episodic ataxia type 2. Last evaluated: 2026-01-12. Review status: criteria provided, single submitter. Criteria: Invitae Variant Classification Sherloc (09022015). Collection method: clinical testing. Allele origin: germline.
Comment: This sequence change replaces arginine, which is basic and polar, with tryptophan, which is neutral and slightly polar, at codon 1273 of the CACNA1A protein (p.Arg1273Trp). This variant is present in population databases (rs372970430, gnomAD 0.0009%). This missense change has been observed in individual(s) with progressive ataxia (PMID: 27965395). ClinVar contains an entry for this variant (Variation ID: 476256). Invitae Evidence Modeling of protein sequence and biophysical properties (such as structural, functional, and spatial information, amino acid conservation, physicochemical variation, residue mobility, and thermodynamic stability) indicates that this missense variant is not expected to disrupt CACNA1A protein function with a negative predictive value of 95%. In summary, the available evidence is currently insufficient to determine the role of this variant in disease. Therefore, it has been classified as a Variant of Uncertain Significance.

Literature cited by the submitters: PubMed 27965395.